The following is an entry in ClinVar:

NM_000834.5(GRIN2B):c.2638C>T (p.Arg880Cys)

Gene: GRIN2B (glutamate ionotropic receptor NMDA type subunit 2B; minus strand). Cytogenetic location: 12p13.1.
Variant type: single nucleotide variant.
Coding change: c.2638C>T on transcript NM_000834.5 (MANE Select); coding-DNA position 2638, C replaced by T.
Protein change: p.Arg880Cys; replaces arginine 880 with cysteine.
Molecular consequence: missense variant.
Genome position (GRCh38, 1-based): chr12:13,564,600, G>A on the plus strand (C>T on the coding strand, the complement: GRIN2B is on the minus strand). VCF-style: chr12-13564600-G-A. GRCh37 (hg19) VCF-style: chr12-13717534-G-A.
Other names: short protein forms R880C.
Identifiers: ClinVar variation 960248 (VCV000960248.10), dbSNP rs1180122833, ClinGen allele CA383994587.
Genomic context (GRCh38, chr12:13,564,600, plus strand): 5'-GCAGGATGTTGGAGTGTGTGTTGTTCATGGTTGCGGTGGGGGAGTTCATTACAGACTGGC[G>A]CTCCTCGATCGCCACCCCATGGATGCAGCTGTAGATACCCTGAAGCAAGAATGGAGGGAC-3'
Protein context (NP_000825.2, residues 870-890): SCIHGVAIEE[Arg880Cys]QSVMNSPTAT

ClinVar aggregate classification (germline): Uncertain significance (1 of 4 stars; one submission).

Conditions:
Intellectual developmental disorder, autosomal dominant 6, with or without seizures. Also called: Intellectual disability, autosomal dominant 6; GRIN2B-related developmental delay, intellectual disability and autism spectrum disorder. Identifiers: Orphanet 589547, MedGen C3151411, MONDO:0013509, OMIM 613970.
Developmental and epileptic encephalopathy, 27 (DEE27). Also called: Epileptic encephalopathy, early infantile, 27; GRIN2B-Related Neurodevelopmental Disorder. Identifiers: Orphanet 3451, MedGen C4015316, MONDO:0014505, OMIM 616139.

Allele frequency attached by ClinVar (database versions not stated): gnomAD exomes below 0.00001.
gnomAD v4.1: 5 of 1,613,890 alleles (0.00031%); highest among the groups gnomAD compares: South Asian, 0.0011%; no homozygotes.

Submission:

Labcorp Genetics (formerly Invitae), Labcorp
Classification: Uncertain significance for Developmental and epileptic encephalopathy, 27; Intellectual developmental disorder, autosomal dominant 6, with or without seizures. Last evaluated: 2019-07-10. Review status: criteria provided, single submitter. Criteria: Invitae Variant Classification Sherloc (09022015). Collection method: clinical testing. Allele origin: germline.
Comment: This variant has not been reported in the literature in individuals with GRIN2B-related conditions. This variant is not present in population databases (ExAC no frequency). This sequence change replaces arginine with cysteine at codon 880 of the GRIN2B protein (p.Arg880Cys). The arginine residue is moderately conserved and there is a large physicochemical difference between arginine and cysteine. Algorithms developed to predict the effect of missense changes on protein structure and function are either unavailable or do not agree on the potential impact of this missense change (SIFT: "Deleterious"; PolyPhen-2: "Possibly Damaging"; Align-GVGD: "Class C0"). In summary, the available evidence is currently insufficient to determine the role of this variant in disease. Therefore, it has been classified as a Variant of Uncertain Significance.